The following is an entry in ClinVar:

ClinVar aggregate classification (germline): Likely pathogenic (1 of 4 stars; one submission).

Conditions:
Leukodystrophy, hypomyelinating, 10. Also called: PYCR2-related microcephaly-progressive leukoencephalopathy. Identifiers: Orphanet 481152, MedGen C4225332, MONDO:0014632, OMIM 616420.

Allele frequency attached by ClinVar (database versions not stated): gnomAD exomes below 0.00001; ExAC 0.00001.
gnomAD v4.1: 2 of 1,614,226 alleles (0.00012%); highest among the groups gnomAD compares: Admixed American, 0.0033%; no homozygotes.

Submission:

Women's Health and Genetics/Laboratory Corporation of America, LabCorp
Classification: Likely pathogenic for Leukodystrophy, hypomyelinating, 10. Last evaluated: 2023-11-13. Review status: criteria provided, single submitter. Criteria: LabCorp Variant Classification Summary - May 2015. Collection method: clinical testing. Allele origin: germline.
Comment: Variant summary: PYCR2 c.577G>A (p.Val193Met) results in a conservative amino acid change located in the Pyrroline-5-carboxylate reductase, dimerisation domain (IPR029036) of the encoded protein sequence. Four of five in-silico tools predict a damaging effect of the variant on protein function. The variant allele was found at a frequency of 8e-06 in 251398 control chromosomes. c.577G>A has been reported in the literature in individuals affected with Hypomyelinating Leukodystrophy 1 (Meng_2016). These data indicate that the variant is likely to be associated with disease. To our knowledge, no experimental evidence demonstrating an impact on protein function has been reported. The following publication have been ascertained in the context of this evaluation (PMID: 27860360). No submitters have cited clinical-significance assessments for this variant to ClinVar after 2014. Based on the evidence outlined above, the variant was classified as likely pathogenic.

Literature cited by the submitters: PubMed 27860360.

NM_013328.4(PYCR2):c.577G>A (p.Val193Met)

Gene: PYCR2 (pyrroline-5-carboxylate reductase 2; minus strand). Cytogenetic location: 1q42.12.
Variant type: single nucleotide variant.
Coding change: c.577G>A on transcript NM_013328.4 (MANE Select); coding-DNA position 577, G replaced by A.
Protein change: p.Val193Met; replaces valine 193 with methionine.
Molecular consequence: missense variant.
Genome position (GRCh38, 1-based): chr1:225,921,608, C>T on the plus strand (G>A on the coding strand, the complement: PYCR2 is on the minus strand). VCF-style: chr1-225921608-C-T. GRCh37 (hg19) VCF-style: chr1-226109308-C-T.
Other names: c.355G>A, p.Val119Met (NM_001271681.2); short protein forms V119M, V193M.
Identifiers: ClinVar variation 2682490 (VCV002682490.1), dbSNP rs745824721, ClinGen allele CA1420169.